The following is an entry in ClinVar:

NM_001854.4(COL11A1):c.2062G>C (p.Gly688Arg)

Gene: COL11A1 (collagen type XI alpha 1 chain; minus strand). Cytogenetic location: 1p21.1.
Variant type: single nucleotide variant.
Coding change: c.2062G>C on transcript NM_001854.4 (MANE Select); coding-DNA position 2062, G replaced by C.
Protein change: p.Gly688Arg; replaces glycine 688 with arginine.
Molecular consequence: missense variant. On other transcripts: non-coding transcript variant (1).
Genome position (GRCh38, 1-based): chr1:103,002,463, C>G on the plus strand (G>C on the coding strand, the complement: COL11A1 is on the minus strand). VCF-style: chr1-103002463-C-G. GRCh37 (hg19) VCF-style: chr1-103468019-C-G.
Other names: c.2062G>C (NM_001854.3); c.1945G>C, p.Gly649Arg (NM_001190709.2); c.2098G>C, p.Gly700Arg (NM_080629.3); c.1714G>C, p.Gly572Arg (NM_080630.4); short protein forms G700R, G688R, G572R, G649R.
Identifiers: ClinVar variation 3686631 (VCV003686631.3).

ClinVar aggregate classification (germline): Uncertain significance. Review status: criteria provided, multiple submitters, no conflicts (2 of 4 stars). 2 submissions from 2 submitters: Uncertain significance (2). Last evaluated 2025-09-02.

gnomAD v4.1: 2 of 1,609,904 alleles (0.00012%); highest among the groups gnomAD compares: Admixed American, 0.0017%; no homozygotes.

Submissions (2):

Labcorp Genetics (formerly Invitae), Labcorp
Classification: Uncertain significance. Last evaluated: 2025-09-02. Review status: criteria provided, single submitter. Criteria: Invitae Variant Classification Sherloc (09022015). Collection method: clinical testing. Allele origin: germline.
Comment: This sequence change replaces glycine, which is neutral and non-polar, with arginine, which is basic and polar, at codon 688 of the COL11A1 protein (p.Gly688Arg). This variant is not present in population databases (gnomAD no frequency). This variant has not been reported in the literature in individuals affected with COL11A1-related conditions. ClinVar contains an entry for this variant (Variation ID: 3686631). Invitae Evidence Modeling of protein sequence and biophysical properties (such as structural, functional, and spatial information, amino acid conservation, physicochemical variation, residue mobility, and thermodynamic stability) indicates that this missense variant is expected to disrupt COL11A1 protein function with a positive predictive value of 80%. In summary, the available evidence is currently insufficient to determine the role of this variant in disease. Therefore, it has been classified as a Variant of Uncertain Significance.

GeneDx
Classification: Uncertain significance. Last evaluated: 2025-02-13. Review status: criteria provided, single submitter. Criteria: GeneDx Variant Classification Process June 2021. Collection method: clinical testing. Allele origin: germline. Affected: yes.
Comment: Not observed at significant frequency in large population cohorts (gnomAD); In silico analysis supports that this missense variant has a deleterious effect on protein structure/function; Has not been previously published as pathogenic or benign to our knowledge; This variant is associated with the following publications: (PMID: 25240749)